The following is an entry in ClinVar:

ClinVar aggregate classification (germline): Uncertain significance (1 of 4 stars; one submission).

Conditions:
Hereditary cancer-predisposing syndrome. Also called: Hereditary Cancer Syndrome; Hereditary neoplastic syndrome; Neoplastic Syndromes, Hereditary; Tumor predisposition. Identifiers: Orphanet 140162, MedGen C0027672, MeSH D009386, MONDO:0015356.

Submission:

Sema4
Classification: Uncertain significance for Hereditary cancer-predisposing syndrome. Last evaluated: 2022-03-02. Review status: criteria provided, single submitter. Criteria: Sema4 Curation Guidelines. Collection method: curation. Allele origin: germline.
Comment: The BRCA2 c.6932C>T (p.P2311L) variant has not been reported in the literature to our knowledge. This variant is not reported in the population database Genome Aggregation Database (PMID: 32461654). The variant has not been reported in ClinVar. Functional studies have not been performed, and in silico predictions of the variant's effect on protein function are inconclusive. The evidence is insufficient to meet ACMG/AMP criteria for classifying the variant as benign or pathogenic. Thus, the clinical significance of this variant is currently uncertain.

NM_000059.4(BRCA2):c.6932C>T (p.Pro2311Leu)

Gene: BRCA2 (BRCA2 DNA repair associated; plus strand). Cytogenetic location: 13q13.1.
Variant type: single nucleotide variant.
Coding change: c.6932C>T on transcript NM_000059.4 (MANE Select); coding-DNA position 6932, C replaced by T.
Protein change: p.Pro2311Leu; replaces proline 2311 with leucine.
Molecular consequence: missense variant.
Genome position (GRCh38, 1-based): chr13:32,344,648, C>T. VCF-style: chr13-32344648-C-T. GRCh37 (hg19) VCF-style: chr13-32918785-C-T.
Other names: short protein forms P2311L.
Identifiers: ClinVar variation 1692126 (VCV001692126.1), dbSNP rs2137537430, ClinGen allele CA387792948.